The following is an entry in ClinVar:

ClinVar aggregate classification (germline): Conflicting classifications of pathogenicity. Review status: criteria provided, conflicting classifications (1 of 4 stars). 6 submissions from 6 submitters: Uncertain significance (1); Likely benign (4). 1 of the submissions does not count toward it. Last evaluated 2025-10-04.

Conditions:
CPLANE1-related disorder. Also called: CPLANE1-related condition.
Joubert syndrome 17 (JBTS17). Identifiers: Orphanet 475, MedGen C3553264, MONDO:0013824, OMIM 614615.

Allele frequency attached by ClinVar (database versions not stated): TOPMed 0.00014; ESP Exome Variant Server 0.00015.
gnomAD v4.1: 286 of 1,613,626 alleles (0.018%); highest among the groups gnomAD compares: African/African-American, 0.028%; no homozygotes.

Submissions (6):

Labcorp Genetics (formerly Invitae), Labcorp
Classification: Likely benign. Last evaluated: 2025-10-04. Review status: criteria provided, single submitter. Criteria: Invitae Variant Classification Sherloc (09022015). Collection method: clinical testing. Allele origin: germline.

Blueprint Genetics
Classification: Likely benign. Last evaluated: 2024-11-07. Review status: criteria provided, single submitter. Criteria: ACMG Guidelines, 2015. Collection method: clinical testing. Allele origin: germline.

CeGaT Center for Human Genetics Tuebingen
Classification: Likely benign. Last evaluated: 2024-01-01. Review status: criteria provided, single submitter. Criteria: CeGaT Center For Human Genetics Tuebingen Variant Classification Criteria Version 2. Collection method: clinical testing. Allele origin: germline. Affected: yes. Observed: 2 variant alleles.
Comment: CPLANE1: BP4, BP7

Illumina Laboratory Services, Illumina
Classification: Uncertain significance for Joubert syndrome 17. Last evaluated: 2018-01-13. Review status: criteria provided, single submitter. Criteria: ICSL Variant Classification Criteria 13 December 2019. Collection method: clinical testing. Allele origin: germline.

GeneDx
Classification: Likely benign. Last evaluated: 2016-08-30. Review status: criteria provided, single submitter. Criteria: GeneDx Variant Classification (06012015). Collection method: clinical testing. Allele origin: germline. Affected: yes.
Comment: This variant is considered likely benign or benign based on one or more of the following criteria: it is a conservative change, it occurs at a poorly conserved position in the protein, it is predicted to be benign by multiple in silico algorithms, and/or has population frequency not consistent with disease.

PreventionGenetics, part of Exact Sciences
Classification: Likely benign for CPLANE1-related condition. Last evaluated: 2019-03-13. Review status: no assertion criteria provided. Collection method: clinical testing. Allele origin: germline. Not counted in ClinVar's aggregate classification.
Comment: This variant is classified as likely benign based on ACMG/AMP sequence variant interpretation guidelines (Richards et al. 2015 PMID: 25741868, with internal and published modifications).

NM_001384732.1(CPLANE1):c.9414G>A (p.Pro3138=)

Gene: CPLANE1 (ciliogenesis and planar polarity effector complex subunit 1; minus strand). Cytogenetic location: 5p13.2.
Variant type: single nucleotide variant.
Coding change: c.9414G>A on transcript NM_001384732.1 (MANE Select); coding-DNA position 9414, G replaced by A.
Protein change: p.Pro3138=; no amino-acid change (proline 3138 retained).
Molecular consequence: synonymous variant.
Genome position (GRCh38, 1-based): chr5:37,108,458, C>T on the plus strand (G>A on the coding strand, the complement: CPLANE1 is on the minus strand). VCF-style: chr5-37108458-C-T. GRCh37 (hg19) VCF-style: chr5-37108560-C-T.
Other names: c.9252G>A, p.Pro3084= (NM_023073.4).
Identifiers: ClinVar variation 388936 (VCV000388936.41), dbSNP rs377707922, ClinGen allele CA3237449.